The following is an entry in ClinVar:

NM_002335.4(LRP5):c.2283C>G (p.Asp761Glu)

Gene: LRP5 (LDL receptor related protein 5; plus strand). Cytogenetic location: 11q13.2.
Variant type: single nucleotide variant.
Coding change: c.2283C>G on transcript NM_002335.4 (MANE Select); coding-DNA position 2283, C replaced by G.
Protein change: p.Asp761Glu; replaces aspartic acid 761 with glutamic acid.
Molecular consequence: missense variant.
Genome position (GRCh38, 1-based): chr11:68,410,105, C>G. VCF-style: chr11-68410105-C-G. GRCh37 (hg19) VCF-style: chr11-68177573-C-G.
Other names: c.540C>G, p.Asp180Glu (NM_001291902.2); short protein forms D180E, D761E.
Identifiers: ClinVar variation 4623900 (VCV004623900.1).
Genomic context (GRCh38, chr11:68,410,105, plus strand): 5'-AATCGAAGTGGCGCGGCTGGACGGGCAGTTCCGGCAAGTCCTCGTGTGGAGGGACTTGGA[C>G]AACCCGAGGTCGCTGGCCCTGGATCCCACCAAGGGGTAAGTGTTTGCCTGTCCCGTGCGT-3'
Protein context (NP_002326.2, residues 751-771): FRQVLVWRDL[Asp761Glu]NPRSLALDPT

ClinVar aggregate classification (germline): Uncertain significance (1 of 4 stars; one submission).

Conditions:
Inborn genetic diseases. Identifiers: MedGen C0950123, MeSH D030342.

Submission:

Ambry Genetics
Classification: Uncertain significance for Inborn genetic diseases. Last evaluated: 2025-11-11. Review status: criteria provided, single submitter. Criteria: Ambry Variant Classification Scheme 2023. Collection method: clinical testing. Allele origin: germline.
Comment: The c.2283C>G (p.D761E) alteration is located in exon 10 (coding exon 10) of the LRP5 gene. This alteration results from a C to G substitution at nucleotide position 2283, causing the aspartic acid (D) at amino acid position 761 to be replaced by a glutamic acid (E). Based on data from gnomAD, the G allele has an overall frequency of 0.001% (3/250270) total alleles studied. The highest observed frequency was 0.019% (3/16172) of African alleles. Based on insufficient or conflicting evidence, the clinical significance of this alteration remains unclear.